The following is an entry in ClinVar:

ClinVar aggregate classification (germline): Likely benign (1 of 4 stars; one submission).

Submission:

CeGaT Center for Human Genetics Tuebingen
Classification: Likely benign. Last evaluated: 2026-05-01. Review status: criteria provided, single submitter. Criteria: CeGaT Center For Human Genetics Tuebingen Variant Classification Criteria Version 2. Collection method: clinical testing. Allele origin: germline. Affected: yes. Observed: 1 variant allele.
Comment: GDAP1: PM2:Supporting, BP4, BP7

NM_018972.4(GDAP1):c.414T>C (p.His138=)

Gene: GDAP1 (ganglioside induced differentiation associated protein 1; plus strand). Cytogenetic location: 8q21.11.
Variant type: single nucleotide variant.
Coding change: c.414T>C on transcript NM_018972.4 (MANE Select); coding-DNA position 414, T replaced by C.
Protein change: p.His138=; no amino-acid change (histidine 138 retained).
Molecular consequence: synonymous variant. On other transcripts: intron variant (1).
Genome position (GRCh38, 1-based): chr8:74,360,240, T>C. VCF-style: chr8-74360240-T-C. GRCh37 (hg19) VCF-style: chr8-75272475-T-C.
Other names: c.210T>C, p.His70= (NM_001040875.4); c.87T>C, p.His29= (NM_001362929.2, NM_001362932.2); c.414T>C, p.His138= (NM_001362931.2); c.311-1644T>C (NM_001362930.2).
Identifiers: ClinVar variation 4875002 (VCV004875002.2).